The following is an entry in ClinVar:

ClinVar aggregate classification (germline): Uncertain significance (1 of 4 stars; one submission).

Conditions:
Hereditary cancer-predisposing syndrome. Also called: Neoplastic Syndromes, Hereditary; Tumor predisposition; Hereditary Cancer Syndrome; Hereditary neoplastic syndrome. Identifiers: Orphanet 140162, MedGen C0027672, MeSH D009386, MONDO:0015356.

Submission:

Ambry Genetics
Classification: Uncertain significance for Hereditary cancer-predisposing syndrome. Last evaluated: 2025-11-05. Review status: criteria provided, single submitter. Criteria: Ambry Variant Classification Scheme 2023. Collection method: clinical testing. Allele origin: germline.
Comment: The p.I52M variant (also known as c.156A>G), located in coding exon 2 of the FH gene, results from an A to G substitution at nucleotide position 156. The isoleucine at codon 52 is replaced by methionine, an amino acid with highly similar properties. This amino acid position is not well conserved in available vertebrate species. In addition, the in silico prediction for this alteration is inconclusive. Based on the available evidence, the clinical significance of this variant remains unclear.

NM_000143.4(FH):c.156A>G (p.Ile52Met)

Gene: FH (fumarate hydratase; minus strand). Cytogenetic location: 1q43.
Variant type: single nucleotide variant.
Coding change: c.156A>G on transcript NM_000143.4 (MANE Select); coding-DNA position 156, A replaced by G.
Protein change: p.Ile52Met; replaces isoleucine 52 with methionine.
Molecular consequence: missense variant.
Genome position (GRCh38, 1-based): chr1:241,517,293, T>C on the plus strand (A>G on the coding strand, the complement: FH is on the minus strand). VCF-style: chr1-241517293-T-C. GRCh37 (hg19) VCF-style: chr1-241680593-T-C.
Other names: short protein forms I52M.
Identifiers: ClinVar variation 4642119 (VCV004642119.1).